The following is an entry in ClinVar:

NM_198525.3(KIF7):c.2152C>T (p.Arg718Cys)

Gene: KIF7 (kinesin family member 7; minus strand). Cytogenetic location: 15q26.1.
Variant type: single nucleotide variant.
Coding change: c.2152C>T on transcript NM_198525.3 (MANE Select); coding-DNA position 2152, C replaced by T.
Protein change: p.Arg718Cys; replaces arginine 718 with cysteine.
Molecular consequence: missense variant.
Genome position (GRCh38, 1-based): chr15:89,645,052, G>A on the plus strand (C>T on the coding strand, the complement: KIF7 is on the minus strand). VCF-style: chr15-89645052-G-A. GRCh37 (hg19) VCF-style: chr15-90188283-G-A.
Other names: short protein forms R718C.
Identifiers: ClinVar variation 952400 (VCV000952400.15), dbSNP rs372882880, ClinGen allele CA7728314.

ClinVar aggregate classification (germline): Conflicting classifications of pathogenicity. Review status: criteria provided, conflicting classifications (1 of 4 stars). 6 submissions from 6 submitters: Uncertain significance (3); Likely benign (3). Last evaluated 2025-12-22.

Conditions:
KIF7-related disorder. Also called: KIF7-related condition.
Acrocallosal syndrome (ACLS). Also called: Schinzel syndrome 1; Absence of corpus callosum with unusual facial appearance, mental deficiency, duplication of the halluces and polydactyly; HALLUX DUPLICATION, POSTAXIAL POLYDACTYLY, AND ABSENCE OF CORPUS CALLOSUM. Identifiers: Orphanet 36, MedGen C0796147, MONDO:0008708, OMIM 200990.
Inborn genetic diseases. Identifiers: MedGen C0950123, MeSH D030342.

Allele frequency attached by ClinVar (database versions not stated): gnomAD 0.00001 and 0.00005; TOPMed 0.00006; ESP Exome Variant Server 0.00008; gnomAD exomes 0.00026; ExAC 0.00032; 1000 Genomes Project 30x 0.00078; 1000 Genomes Project 0.00080.
gnomAD v4.1: 160 of 1,607,442 alleles (0.01%); highest among the groups gnomAD compares: South Asian, 0.15%; 1 homozygote.

Submissions (6):

Labcorp Genetics (formerly Invitae), Labcorp
Classification: Uncertain significance for Acrocallosal syndrome. Last evaluated: 2025-12-22. Review status: criteria provided, single submitter. Criteria: Invitae Variant Classification Sherloc (09022015). Collection method: clinical testing. Allele origin: germline.
Comment: This sequence change replaces arginine, which is basic and polar, with cysteine, which is neutral and slightly polar, at codon 718 of the KIF7 protein (p.Arg718Cys). This variant is present in population databases (rs372882880, gnomAD 0.2%). This variant has not been reported in the literature in individuals affected with KIF7-related conditions. ClinVar contains an entry for this variant (Variation ID: 952400). Invitae Evidence Modeling of protein sequence and biophysical properties (such as structural, functional, and spatial information, amino acid conservation, physicochemical variation, residue mobility, and thermodynamic stability) has been performed for this missense variant. However, the output from this modeling did not meet the statistical confidence thresholds required to predict the impact of this variant on KIF7 protein function. In summary, the available evidence is currently insufficient to determine the role of this variant in disease. Therefore, it has been classified as a Variant of Uncertain Significance.

PreventionGenetics, part of Exact Sciences
Classification: Likely benign for KIF7-related condition. Last evaluated: 2025-07-17. Review status: criteria provided, single submitter. Criteria: ACMG Guidelines, 2015. Collection method: clinical testing. Allele origin: germline.
Comment: This variant is classified as likely benign based on ACMG/AMP sequence variant interpretation guidelines (Richards et al. 2015 PMID: 25741868, with internal and published modifications).

Blueprint Genetics
Classification: Likely benign. Last evaluated: 2024-10-09. Review status: criteria provided, single submitter. Criteria: ACMG Guidelines, 2015. Collection method: clinical testing. Allele origin: germline.

Ambry Genetics
Classification: Likely benign for Inborn genetic diseases. Last evaluated: 2024-08-01. Review status: criteria provided, single submitter. Criteria: Ambry Variant Classification Scheme 2023. Collection method: clinical testing. Allele origin: germline.

GeneDx
Classification: Uncertain significance. Last evaluated: 2021-05-11. Review status: criteria provided, single submitter. Criteria: GeneDx Variant Classification Process June 2021. Collection method: clinical testing. Allele origin: germline. Affected: yes.
Comment: In silico analysis supports that this missense variant has a deleterious effect on protein structure/function; Has not been previously published as pathogenic or benign to our knowledge

Institute of Human Genetics, Clinical Exome/Genome Diagnostics Group, University Hospital Bonn
Classification: Uncertain significance. Review status: criteria provided, single submitter. Criteria: ACMG Guidelines, 2015. Collection method: clinical testing. Allele origin: germline. Affected: yes.